The following is an entry in ClinVar:

NM_002691.4(POLD1):c.2414G>A (p.Ser805Asn)

Gene: POLD1 (DNA polymerase delta 1, catalytic subunit; plus strand). Cytogenetic location: 19q13.33.
Variant type: single nucleotide variant.
Coding change: c.2414G>A on transcript NM_002691.4 (MANE Select); coding-DNA position 2414, G replaced by A.
Protein change: p.Ser805Asn; replaces serine 805 with asparagine.
Molecular consequence: missense variant. On other transcripts: non-coding transcript variant (1).
Genome position (GRCh38, 1-based): chr19:50,414,840, G>A. VCF-style: chr19-50414840-G-A. GRCh37 (hg19) VCF-style: chr19-50918097-G-A.
Other names: c.2414G>A (NM_002691.2); c.2414G>A, p.Ser805Asn (NM_001256849.1); c.2492G>A, p.Ser831Asn (NM_001308632.1); short protein forms S805N, S831N.
Identifiers: ClinVar variation 1017173 (VCV001017173.9), dbSNP rs2039214128, ClinGen allele CA406984601.

ClinVar aggregate classification (germline): Uncertain significance. Review status: criteria provided, multiple submitters, no conflicts (2 of 4 stars). 2 submissions from 2 submitters: Uncertain significance (2). Last evaluated 2026-07-26.

Conditions:
Hereditary cancer-predisposing syndrome. Also called: Tumor predisposition; Hereditary Cancer Syndrome; Hereditary neoplastic syndrome; Neoplastic Syndromes, Hereditary. Identifiers: Orphanet 140162, MedGen C0027672, MeSH D009386, MONDO:0015356.
POLD1-related polyposis and colorectal cancer syndrome (CRCS10). Also called: Colorectal cancer 10; Colorectal cancer, susceptibility to, 10; COLORECTAL CANCER, SUSCEPTIBILITY TO, ON CHROMOSOME 19q. Identifiers: Orphanet 220460, MedGen C2675481, MONDO:0012953, OMIM 612591.

Submissions (2):

Ambry Genetics
Classification: Uncertain significance for Hereditary cancer-predisposing syndrome. Last evaluated: 2026-07-26. Review status: criteria provided, single submitter. Criteria: Ambry Variant Classification Scheme 2023. Collection method: clinical testing. Allele origin: germline.
Comment: The p.S805N variant (also known as c.2414G>A), located in coding exon 19 of the POLD1 gene, results from a G to A substitution at nucleotide position 2414. The serine at codon 805 is replaced by asparagine, an amino acid with highly similar properties. This amino acid position is conserved. In addition, this alteration is predicted to be tolerated by in silico analysis. Based on the available evidence, the clinical significance of this variant remains unclear.

Labcorp Genetics (formerly Invitae), Labcorp
Classification: Uncertain significance for POLD1-related polyposis and colorectal cancer syndrome. Last evaluated: 2023-10-12. Review status: criteria provided, single submitter. Criteria: Invitae Variant Classification Sherloc (09022015). Collection method: clinical testing. Allele origin: germline.
Comment: This sequence change replaces serine, which is neutral and polar, with asparagine, which is neutral and polar, at codon 805 of the POLD1 protein (p.Ser805Asn). This variant is not present in population databases (gnomAD no frequency). This variant has not been reported in the literature in individuals affected with POLD1-related conditions. ClinVar contains an entry for this variant (Variation ID: 1017173). Advanced modeling of protein sequence and biophysical properties (such as structural, functional, and spatial information, amino acid conservation, physicochemical variation, residue mobility, and thermodynamic stability) performed at Invitae indicates that this missense variant is not expected to disrupt POLD1 protein function. Algorithms developed to predict the effect of sequence changes on RNA splicing suggest that this variant may disrupt the consensus splice site. In summary, the available evidence is currently insufficient to determine the role of this variant in disease. Therefore, it has been classified as a Variant of Uncertain Significance.